The following is an entry in ClinVar:

NM_000117.3(EMD):c.711C>T (p.Ile237=)

Gene: EMD (emerin; plus strand). Cytogenetic location: Xq28.
Variant type: single nucleotide variant.
Coding change: c.711C>T on transcript NM_000117.3 (MANE Select); coding-DNA position 711, C replaced by T.
Protein change: p.Ile237=; no amino-acid change (isoleucine 237 retained).
Molecular consequence: synonymous variant.
Genome position (GRCh38, 1-based): chrX:154,381,143, C>T. VCF-style: chrX-154381143-C-T. GRCh37 (hg19) VCF-style: chrX-153609503-C-T.
Identifiers: ClinVar variation 163405 (VCV000163405.13), dbSNP rs727503037, ClinGen allele CA176030.

ClinVar aggregate classification (germline): Likely benign. Review status: criteria provided, multiple submitters, no conflicts (2 of 4 stars). 2 submissions from 2 submitters: Likely benign (2). Last evaluated 2024-02-17.

Conditions:
X-linked Emery-Dreifuss muscular dystrophy. Also called: Muscular dystrophy, tardive Emery-Dreifuss type, with contractures. Identifiers: Orphanet 261, Orphanet 98863, MedGen C0751337, MONDO:0010680.

Allele frequency attached by ClinVar (database versions not stated): ExAC 0.00001; gnomAD exomes 0.00001; TOPMed 0.00001.

Submissions (2):

Labcorp Genetics (formerly Invitae), Labcorp
Classification: Likely benign for X-linked Emery-Dreifuss muscular dystrophy. Last evaluated: 2024-02-17. Review status: criteria provided, single submitter. Criteria: Invitae Variant Classification Sherloc (09022015). Collection method: clinical testing. Allele origin: germline.

Laboratory for Molecular Medicine, Mass General Brigham Personalized Medicine
Classification: Likely benign. Last evaluated: 2013-05-03. Review status: criteria provided, single submitter. Criteria: LMM Criteria. Collection method: clinical testing. Allele origin: germline. Observed: 1 variant allele.
Comment: Ile237Ile in exon 6 of EMD: This variant is not expected to have clinical signif icance because it does not alter an amino acid residue and is not located within the splice consensus sequence. Ile237Ile in exon 6 of EMD (allele frequency = n/a)